The following is an entry in ClinVar:

ClinVar aggregate classification (germline): Uncertain significance (1 of 4 stars; one submission).

gnomAD v4.1: 48 of 1,534,864 alleles (0.0031%); highest among the groups gnomAD compares: African/African-American, 0.0041%; no homozygotes.

Submission:

Women's Health and Genetics/Laboratory Corporation of America, LabCorp
Classification: Uncertain significance. Last evaluated: 2026-06-10. Review status: criteria provided, single submitter. Criteria: LabCorp Variant Classification Summary - May 2015. Collection method: clinical testing. Allele origin: germline.
Comment: Variant summary: TCF4 c.-448T>G is located in the untranscribed region upstream of the TCF4 gene region. Several computational tools predict a significant impact on normal splicing: Two predict the variant strengthens a 5' donor site. Two predict the variant creates a 5' donor site. However, these predictions have yet to be confirmed by functional studies. The variant allele was found at a frequency of 7.7e-06 in 130230 control chromosomes. The available data on variant occurrences in the general population are insufficient to allow any conclusion about variant significance. To our knowledge, no occurrence of c.-448T>G in individuals affected with TCF4-related conditions and no experimental evidence demonstrating its impact on protein function have been reported. ClinVar contains an entry for this variant (Variation ID: 3366355). Based on the evidence outlined above, the variant was classified as uncertain significance.

NM_001083962.2(TCF4):c.-448T>G

Gene: TCF4 (transcription factor 4; minus strand). Cytogenetic location: 18q21.2.
Variant type: single nucleotide variant.
Coding change: c.-448T>G on transcript NM_001083962.2 (MANE Select); 448 bases upstream of the start codon, T replaced by G.
Molecular consequence: genic upstream transcript variant. On other transcripts: intron variant (14).
Genome position (GRCh38, 1-based): chr18:55,588,465, A>C on the plus strand (T>G on the coding strand, the complement: TCF4 is on the minus strand). VCF-style: chr18-55588465-A-C. GRCh37 (hg19) VCF-style: chr18-53255696-A-C.
Other names: c.287-1329T>G (NM_001243226.3); c.-1+832T>G (NM_001369584.1, NM_001369576.1, NM_001369577.1 and 3 more transcripts); c.-21+832T>G (NM_001369571.1, NM_001369567.1, NM_001243228.2); c.66+5T>G (NM_001243230.2); c.-21+5T>G (NM_001369569.1, NM_001369572.1, NM_001369568.1).
Identifiers: ClinVar variation 3366355 (VCV003366355.2).